The following is an entry in ClinVar:

ClinVar aggregate classification (germline): Uncertain significance (1 of 4 stars; one submission).

Conditions:
Costello syndrome (CSTLO). Also called: HRAS-Related Costello Syndrome; FACIOCUTANEOSKELETAL SYNDROME; FCS SYNDROME. Identifiers: Orphanet 3071, MedGen C0587248, MONDO:0009026, OMIM 218040.

Submission:

Labcorp Genetics (formerly Invitae), Labcorp
Classification: Uncertain significance for Costello syndrome. Last evaluated: 2022-01-26. Review status: criteria provided, single submitter. Criteria: Invitae Variant Classification Sherloc (09022015). Collection method: clinical testing. Allele origin: germline.
Comment: In summary, the available evidence is currently insufficient to determine the role of this variant in disease. Therefore, it has been classified as a Variant of Uncertain Significance. Experimental studies and prediction algorithms are not available or were not evaluated, and the functional significance of this variant is currently unknown. This variant has not been reported in the literature in individuals affected with HRAS-related conditions. This variant is not present in population databases (gnomAD no frequency). This sequence change creates a premature translational stop signal (p.Ser189*) in the HRAS gene. While this is not anticipated to result in nonsense mediated decay, it is expected to disrupt the last 1 amino acid(s) of the HRAS protein.

NM_005343.4(HRAS):c.566_568del (p.Ser189del)

Genes: LRRC56 (leucine rich repeat containing 56; plus strand), HRAS (HRas proto-oncogene, GTPase; minus strand). Cytogenetic location: 11p15.5.
Variant type: Deletion.
Coding change: c.566_568del on transcript NM_005343.4 (MANE Select); coding-DNA positions 566 to 568, 3 bases deleted (CCT; older notation c.566_568delCCT).
Protein change: p.Ser189del; deletes serine 189.
Molecular consequence: inframe deletion. On other transcripts: 3 prime UTR variant (1).
Genome position (GRCh38, 1-based): chr11:532,638-532,640, AGG deleted on the plus strand (CCT on the coding strand, the reverse complement: HRAS is on the minus strand); deleting any 3 consecutive bases within chr11:532,638-532,642 gives the same sequence; the c. name uses the placement nearest the transcript's 3' end. VCF-style (leftmost placement, unchanged base first): chr11-532637-CAGG-C. GRCh37 (hg19) VCF-style: chr11-532637-CAGG-C.
Other names: c.566_568del, p.Ser189del (NM_001130442.3); c.329_331del, p.Ser110del (NM_001318054.2); c.*135_*137del (NM_176795.5); short protein forms S110del, S189del.
Identifiers: ClinVar variation 2089966 (VCV002089966.4), dbSNP rs2539783598, ClinGen allele CA2580083835.